The following is an entry in ClinVar:

ClinVar aggregate classification (germline): Conflicting classifications of pathogenicity. Review status: criteria provided, conflicting classifications (1 of 4 stars). 4 submissions from 4 submitters: Pathogenic (1); Uncertain significance (2). 1 of the submissions does not count toward it. Last evaluated 2025-12-15.

Conditions:
Neuronal ceroid lipofuscinosis. Also called: Neuronal Ceroid Lipofuscinoses. Identifiers: Orphanet 216, Orphanet 79263, MedGen C0027877, MONDO:0016295. Disease mechanism: loss of function.
Neuronal ceroid lipofuscinosis 5 (CLN5). Also called: CEROID LIPOFUSCINOSIS, NEURONAL, 5, VARIABLE AGE AT ONSET; CLN5-Related Neuronal Ceroid-Lipofuscinosis; Neuronal ceroid lipofuscinosis Finnish variant; NEURONAL CEROID LIPOFUSCINOSIS, LATE INFANTILE, FINNISH VARIANT. Identifiers: Orphanet 168491, Orphanet 228360, MedGen C1850442, MONDO:0009745, OMIM 256731.

Allele frequency attached by ClinVar (database versions not stated): gnomAD exomes below 0.00001 and 0.00001; TOPMed below 0.00001; ExAC 0.00002; gnomAD 0.00003; ESP Exome Variant Server 0.00008.
gnomAD v4.1: 8 of 1,614,010 alleles (0.0005%); highest among the groups gnomAD compares: East Asian, 0.0022%; no homozygotes.

Submissions (4):

Labcorp Genetics (formerly Invitae), Labcorp
Classification: Pathogenic for Neuronal ceroid lipofuscinosis. Last evaluated: 2025-12-15. Review status: criteria provided, single submitter. Criteria: Invitae Variant Classification Sherloc (09022015). Collection method: clinical testing. Allele origin: germline.
Comment: This sequence change replaces alanine, which is neutral and non-polar, with threonine, which is neutral and polar, at codon 212 of the CLN5 protein (p.Ala212Thr). This variant is present in population databases (rs148544801, gnomAD 0.002%). This missense change has been observed in individual(s) with clinical features of neuronal ceroid lipofuscinosis (internal data). In at least one individual the data is consistent with being in trans (on the opposite chromosome) from a pathogenic variant. It has also been observed to segregate with disease in related individuals. ClinVar contains an entry for this variant (Variation ID: 205137). Invitae Evidence Modeling of protein sequence and biophysical properties (such as structural, functional, and spatial information, amino acid conservation, physicochemical variation, residue mobility, and thermodynamic stability) has been performed for this missense variant. However, the output from this modeling did not meet the statistical confidence thresholds required to predict the impact of this variant on CLN5 protein function. For these reasons, this variant has been classified as Pathogenic.

Genome-Nilou Lab
Classification: Uncertain significance for Neuronal ceroid lipofuscinosis 5. Last evaluated: 2021-09-05. Review status: criteria provided, single submitter. Criteria: ACMG Guidelines, 2015. Collection method: clinical testing. Allele origin: germline. Affected: no.

GeneDx
Classification: Uncertain significance. Last evaluated: 2019-12-27. Review status: criteria provided, single submitter. Criteria: GeneDx Variant Classification Process June 2021. Collection method: clinical testing. Allele origin: germline. Affected: yes.
Comment: Not observed at a significant frequency in large population cohorts (Lek et al., 2016); In silico analysis, which includes protein predictors and evolutionary conservation, supports that this variant does not alter protein structure/function; Has not been previously published as pathogenic or benign to our knowledge

Natera, Inc.
Classification: Uncertain significance for Neuronal ceroid lipofuscinosis 5. Last evaluated: 2020-09-16. Review status: no assertion criteria provided. Collection method: clinical testing. Allele origin: germline. Not counted in ClinVar's aggregate classification.

NM_006493.4(CLN5):c.487G>A (p.Ala163Thr)

Gene: CLN5 (CLN5 lysosomal BMP synthase; plus strand). Cytogenetic location: 13q22.3.
Variant type: single nucleotide variant.
Coding change: c.487G>A on transcript NM_006493.4 (MANE Select); coding-DNA position 487, G replaced by A.
Protein change: p.Ala163Thr; replaces alanine 163 with threonine.
Molecular consequence: missense variant.
Genome position (GRCh38, 1-based): chr13:76,996,049, G>A. VCF-style: chr13-76996049-G-A. GRCh37 (hg19) VCF-style: chr13-77570184-G-A.
Other names: p.A212T:GCT>ACT; c.634G>A (LRG_692t1); c.487G>A, p.Ala163Thr (NM_001366624.2); short protein forms A163T.
Identifiers: ClinVar variation 205137 (VCV000205137.14), dbSNP rs148544801, ClinGen allele CA313897.